The following is an entry in ClinVar:

ClinVar aggregate classification (germline): Uncertain significance (1 of 4 stars; one submission).

Conditions:
Familial cold autoinflammatory syndrome 4 (FCAS4). Identifiers: Orphanet 47045, Orphanet 576349, MedGen C4015276, MONDO:0014498, OMIM 616115.
Periodic fever-infantile enterocolitis-autoinflammatory syndrome. Also called: Autoinflammation with infantile enterocolitis. Identifiers: Orphanet 436166, MedGen C4015067, MONDO:0014472, OMIM 616050.

Submission:

Labcorp Genetics (formerly Invitae), Labcorp
Classification: Uncertain significance for Periodic fever-infantile enterocolitis-autoinflammatory syndrome; Familial cold autoinflammatory syndrome 4. Last evaluated: 2023-11-27. Review status: criteria provided, single submitter. Criteria: Invitae Variant Classification Sherloc (09022015). Collection method: clinical testing. Allele origin: germline.
Comment: This sequence change replaces serine, which is neutral and polar, with proline, which is neutral and non-polar, at codon 94 of the NLRC4 protein (p.Ser94Pro). This variant is not present in population databases (gnomAD no frequency). This variant has not been reported in the literature in individuals affected with NLRC4-related conditions. ClinVar contains an entry for this variant (Variation ID: 1392695). Advanced modeling of protein sequence and biophysical properties (such as structural, functional, and spatial information, amino acid conservation, physicochemical variation, residue mobility, and thermodynamic stability) performed at Invitae indicates that this missense variant is not expected to disrupt NLRC4 protein function with a negative predictive value of 80%. In summary, the available evidence is currently insufficient to determine the role of this variant in disease. Therefore, it has been classified as a Variant of Uncertain Significance.

NM_001199138.2(NLRC4):c.280T>C (p.Ser94Pro)

Gene: NLRC4 (NLR family CARD domain containing 4; minus strand). Cytogenetic location: 2p22.3.
Variant type: single nucleotide variant.
Coding change: c.280T>C on transcript NM_001199138.2 (MANE Select); coding-DNA position 280, T replaced by C.
Protein change: p.Ser94Pro; replaces serine 94 with proline.
Molecular consequence: missense variant. On other transcripts: intron variant (1).
Genome position (GRCh38, 1-based): chr2:32,251,584, A>G on the plus strand (T>C on the coding strand, the complement: NLRC4 is on the minus strand). VCF-style: chr2-32251584-A-G. GRCh37 (hg19) VCF-style: chr2-32476653-A-G.
Other names: c.280T>C, p.Ser94Pro (NM_001199139.2, NM_021209.5); c.262+835T>C (NM_001302504.1); short protein forms S94P.
Identifiers: ClinVar variation 1392695 (VCV001392695.6), dbSNP rs2148943204, ClinGen allele CA346516573.